The following is an entry in ClinVar:

ClinVar aggregate classification (germline): Uncertain significance (1 of 4 stars; one submission).

Submission:

Labcorp Genetics (formerly Invitae), Labcorp
Classification: Uncertain significance. Last evaluated: 2021-06-27. Review status: criteria provided, single submitter. Criteria: Invitae Variant Classification Sherloc (09022015). Collection method: clinical testing. Allele origin: germline.
Comment: This sequence change replaces lysine with glutamine at codon 938 of the KCNH1 protein (p.Lys938Gln). The lysine residue is moderately conserved and there is a small physicochemical difference between lysine and glutamine. This variant is not present in population databases (ExAC no frequency). In summary, the available evidence is currently insufficient to determine the role of this variant in disease. Therefore, it has been classified as a Variant of Uncertain Significance. Advanced modeling of protein sequence and biophysical properties (such as structural, functional, and spatial information, amino acid conservation, physicochemical variation, residue mobility, and thermodynamic stability) performed at Invitae indicates that this missense variant is not expected to disrupt KCNH1 protein function. This variant has not been reported in the literature in individuals affected with KCNH1-related conditions.

NM_172362.3(KCNH1):c.2812A>C (p.Lys938Gln)

Gene: KCNH1 (potassium voltage-gated channel subfamily H member 1; minus strand). Cytogenetic location: 1q32.2.
Variant type: single nucleotide variant.
Coding change: c.2812A>C on transcript NM_172362.3 (MANE Select); coding-DNA position 2812, A replaced by C.
Protein change: p.Lys938Gln; replaces lysine 938 with glutamine.
Molecular consequence: missense variant.
Genome position (GRCh38, 1-based): chr1:210,683,439, T>G on the plus strand (A>C on the coding strand, the complement: KCNH1 is on the minus strand). VCF-style: chr1-210683439-T-G. GRCh37 (hg19) VCF-style: chr1-210856781-T-G.
Other names: c.2731A>C, p.Lys911Gln (NM_002238.4); short protein forms K911Q, K938Q.
Identifiers: ClinVar variation 1460548 (VCV001460548.8), dbSNP rs765293133, ClinGen allele CA344870376.